The following is an entry in ClinVar:

NM_000362.5(TIMP3):c.113C>G (p.Ser38Cys)

Genes: SYN3 (synapsin III; minus strand), TIMP3 (TIMP metallopeptidase inhibitor 3; plus strand). Cytogenetic location: 22q12.3.
Variant type: single nucleotide variant.
Coding change: c.113C>G on transcript NM_000362.5 (MANE Select); coding-DNA position 113, C replaced by G.
Protein change: p.Ser38Cys; replaces serine 38 with cysteine.
Molecular consequence: missense variant. On other transcripts: intron variant (7).
Genome position (GRCh38, 1-based): chr22:32,802,114, C>G. VCF-style: chr22-32802114-C-G. GRCh37 (hg19) VCF-style: chr22-33198100-C-G.
Other names: c.708+62801G>C (NM_001369909.1, NM_001135774.2, NM_001369910.1); c.711+62801G>C (NM_001369907.1, NM_003490.4, NM_001369908.1 and 1 more transcripts); short protein forms S38C.
Identifiers: ClinVar variation 843268 (VCV000843268.12), dbSNP rs1270675463, ClinGen allele CA411539118.

ClinVar aggregate classification (germline): Pathogenic/Likely pathogenic. Review status: criteria provided, multiple submitters, no conflicts (2 of 4 stars). 3 submissions from 3 submitters: Pathogenic (2); Likely pathogenic (1). Last evaluated 2025-11-21.

Conditions:
TIMP3-related disorder. Also called: TIMP3-related condition.

Allele frequency attached by ClinVar (database versions not stated): gnomAD exomes below 0.00001; gnomAD 0.00001; TOPMed 0.00001.
gnomAD v4.1: 4 of 1,582,802 alleles (0.00025%); highest among the groups gnomAD compares: Non-Finnish European, 0.00034%; no homozygotes.

Submissions (3):

Labcorp Genetics (formerly Invitae), Labcorp
Classification: Pathogenic. Last evaluated: 2025-11-21. Review status: criteria provided, single submitter. Criteria: Invitae Variant Classification Sherloc (09022015). Collection method: clinical testing. Allele origin: germline.
Comment: This sequence change replaces serine, which is neutral and polar, with cysteine, which is neutral and slightly polar, at codon 38 of the TIMP3 protein (p.Ser38Cys). This variant is present in population databases (no rsID available, gnomAD 0.007%). This missense change has been observed in individuals with clinical features of Sorsby fundus dystrophy (SFD) (PMID: 23023527, 26493035, 27601084, 28559085). It has also been observed to segregate with disease in related individuals. ClinVar contains an entry for this variant (Variation ID: 843268). An algorithm developed to predict the effect of missense changes on protein structure and function (PolyPhen-2) suggests that this variant is likely to be disruptive. For these reasons, this variant has been classified as Pathogenic.

Blueprint Genetics
Classification: Pathogenic for TIMP3-related disorders. Last evaluated: 2022-09-14. Review status: criteria provided, single submitter. Criteria: ACMG Guidelines, 2015. Collection method: clinical testing. Allele origin: germline. Affected: yes. Observed: 5 variant alleles.

GeneDx
Classification: Likely pathogenic. Last evaluated: 2019-02-08. Review status: criteria provided, single submitter. Criteria: GeneDx Variant Classification Process June 2021. Collection method: clinical testing. Allele origin: germline. Affected: yes.
Comment: Haplotype analysis suggests that S38C is a founder variant in individuals of Western-European background (Naessens et al., 2019); In silico analysis, which includes protein predictors and evolutionary conservation, supports a deleterious effect; A published functional study suggests that the S38C variant creates a new disulfide bond at Cys36-Cys38 and disrupts the wild type Cys36-Cys143 disulfide bond, although the disease mechanism for TIMP3 has not been fully established (Naessens et al., 2019); This variant is associated with the following publications: (PMID: 31369189, 10873973, 30668888, 27601084, 25082885, 23023527, 23662816, 28847738, 30129971, 29125146, 28559085, 26493035)

Literature cited by the submitters: PubMed 23023527 (cited by Labcorp Genetics (formerly Invitae), Labcorp); PubMed 26493035 (cited by Labcorp Genetics (formerly Invitae), Labcorp); PubMed 27601084 (cited by Labcorp Genetics (formerly Invitae), Labcorp); PubMed 28559085 (cited by Labcorp Genetics (formerly Invitae), Labcorp).